The following is an entry in ClinVar:

ClinVar aggregate classification (germline): Uncertain significance. Review status: criteria provided, multiple submitters, no conflicts (2 of 4 stars). 2 submissions from 2 submitters: Uncertain significance (2). Last evaluated 2019-03-25.

Conditions:
Hereditary cancer-predisposing syndrome. Also called: Tumor predisposition; Neoplastic Syndromes, Hereditary; Hereditary Cancer Syndrome; Hereditary neoplastic syndrome. Identifiers: Orphanet 140162, MedGen C0027672, MeSH D009386, MONDO:0015356.
Ataxia-telangiectasia syndrome (AT). Also called: ATAXIA-TELANGIECTASIA, COMPLEMENTATION GROUP A; ATAXIA-TELANGIECTASIA, FRESNO VARIANT; Ataxia-telangiectasia; Ataxia-telangiectasia, complementation group D; AT, COMPLEMENTATION GROUP C; Ataxia-telangiectasia, complementation group E. Identifiers: Orphanet 100, MedGen C0004135, MONDO:0008840, OMIM 208900.

Submissions (2):

Labcorp Genetics (formerly Invitae), Labcorp
Classification: Uncertain significance for Ataxia-telangiectasia syndrome. Last evaluated: 2019-03-25. Review status: criteria provided, single submitter. Criteria: Invitae Variant Classification Sherloc (09022015). Collection method: clinical testing. Allele origin: germline.
Comment: This variant is not present in population databases (ExAC no frequency). In summary, the available evidence is currently insufficient to determine the role of this variant in disease. Therefore, it has been classified as a Variant of Uncertain Significance. Algorithms developed to predict the effect of missense changes on protein structure and function are either unavailable or do not agree on the potential impact of this missense change (SIFT: "Deleterious"; PolyPhen-2: "Benign"; Align-GVGD: "Class C0"). This variant has not been reported in the literature in individuals with ATM-related conditions. This sequence change replaces leucine with isoleucine at codon 2051 of the ATM protein (p.Leu2051Ile). The leucine residue is highly conserved and there is a small physicochemical difference between leucine and isoleucine.

Ambry Genetics
Classification: Uncertain significance for Hereditary cancer-predisposing syndrome. Last evaluated: 2018-03-26. Review status: criteria provided, single submitter. Criteria: Ambry Variant Classification Scheme 2023. Collection method: clinical testing. Allele origin: germline.
Comment: The p.L2051I variant (also known as c.6151C>A), located in coding exon 41 of the ATM gene, results from a C to A substitution at nucleotide position 6151. The leucine at codon 2051 is replaced by isoleucine, an amino acid with highly similar properties. This amino acid position is highly conserved in available vertebrate species. In addition, this alteration is predicted to be tolerated by in silico analysis. Since supporting evidence is limited at this time, the clinical significance of this alteration remains unclear.

NM_000051.4(ATM):c.6151C>A (p.Leu2051Ile)

Genes: ATM (ATM serine/threonine kinase; plus strand), C11orf65 (chromosome 11 open reading frame 65; minus strand). Cytogenetic location: 11q22.3.
Variant type: single nucleotide variant.
Coding change: c.6151C>A on transcript NM_000051.4 (MANE Select); coding-DNA position 6151, C replaced by A.
Protein change: p.Leu2051Ile; replaces leucine 2051 with isoleucine.
Molecular consequence: missense variant. On other transcripts: intron variant (2).
Genome position (GRCh38, 1-based): chr11:108,316,066, C>A. VCF-style: chr11-108316066-C-A. GRCh37 (hg19) VCF-style: chr11-108186793-C-A.
Other names: c.6151C>A, p.Leu2051Ile (NM_001351834.2); c.641-6995G>T (NM_001330368.2); c.*39-6995G>T (NM_001351110.2); short protein forms L2051I.
Identifiers: ClinVar variation 826211 (VCV000826211.14), dbSNP rs1591779081, ClinGen allele CA382550579.